The following is an entry in ClinVar:

NM_001134407.3(GRIN2A):c.1145C>T (p.Thr382Met)

Gene: GRIN2A (glutamate ionotropic receptor NMDA type subunit 2A; minus strand). Cytogenetic location: 16p13.2.
Variant type: single nucleotide variant.
Coding change: c.1145C>T on transcript NM_001134407.3 (MANE Select); coding-DNA position 1145, C replaced by T.
Protein change: p.Thr382Met; replaces threonine 382 with methionine.
Molecular consequence: missense variant.
Genome position (GRCh38, 1-based): chr16:9,849,939, G>A on the plus strand (C>T on the coding strand, the complement: GRIN2A is on the minus strand). VCF-style: chr16-9849939-G-A. GRCh37 (hg19) VCF-style: chr16-9943796-G-A.
Other names: c.1145C>T, p.Thr382Met (NM_000833.5, NM_001134408.2); short protein forms T382M.
Identifiers: ClinVar variation 2779995 (VCV002779995.3), dbSNP rs1394587285, ClinGen allele CA394801315.
Genomic context (GRCh38, chr16:9,849,939, plus strand): 5'-TCCGGCTCACAGTCGGAGAAGGACTTGTACCTGGGCCACACGGCGTGCCTCAGGCTCAGC[G>A]TATGGTTCTCCCACTTGCCCACCTGCAGCACAAACACAAAGACACAGCTGTGCTTTCTTC-3'
Protein context (NP_001127879.1, residues 372-392): WEKVGKWENH[Thr382Met]LSLRHAVWPR

ClinVar aggregate classification (germline): Uncertain significance (1 of 4 stars; one submission).

Conditions:
Landau-Kleffner syndrome (FESD). Also called: EPILEPSY, FOCAL, WITH SPEECH DISORDER AND WITH OR WITHOUT MENTAL RETARDATION; APHASIA, ACQUIRED, WITH EPILEPSY. Identifiers: Orphanet 1945, Orphanet 725, Orphanet 98818, MedGen C0282512, MONDO:0009509, OMIM 245570.

Allele frequency attached by ClinVar (database versions not stated): TOPMed below 0.00001; gnomAD 0.00001.
gnomAD v4.1: 11 of 1,613,846 alleles (0.00068%); highest among the groups gnomAD compares: East Asian, 0.0045%; no homozygotes.

Submission:

Labcorp Genetics (formerly Invitae), Labcorp
Classification: Uncertain significance for Landau-Kleffner syndrome. Last evaluated: 2025-10-02. Review status: criteria provided, single submitter. Criteria: Invitae Variant Classification Sherloc (09022015). Collection method: clinical testing. Allele origin: germline.
Comment: This sequence change replaces threonine, which is neutral and polar, with methionine, which is neutral and non-polar, at codon 382 of the GRIN2A protein (p.Thr382Met). This variant is present in population databases (no rsID available, gnomAD 0.006%). This variant has not been reported in the literature in individuals affected with GRIN2A-related conditions. ClinVar contains an entry for this variant (Variation ID: 2779995). Invitae Evidence Modeling of protein sequence and biophysical properties (such as structural, functional, and spatial information, amino acid conservation, physicochemical variation, residue mobility, and thermodynamic stability) has been performed for this missense variant. However, the output from this modeling did not meet the statistical confidence thresholds required to predict the impact of this variant on GRIN2A protein function. In summary, the available evidence is currently insufficient to determine the role of this variant in disease. Therefore, it has been classified as a Variant of Uncertain Significance.